The following is an entry in ClinVar:

NM_001242896.3(DEPDC5):c.563-2A>C

Gene: DEPDC5 (DEP domain containing 5, GATOR1 subcomplex subunit; plus strand). Cytogenetic location: 22q12.2.
Variant type: single nucleotide variant.
Coding change: c.563-2A>C on transcript NM_001242896.3 (MANE Select); the canonical splice acceptor site of the intron before coding-DNA position 563, A replaced by C.
Molecular consequence: splice acceptor variant.
Genome position (GRCh38, 1-based): chr22:31,784,812, A>C. VCF-style: chr22-31784812-A-C. GRCh37 (hg19) VCF-style: chr22-32180798-A-C.
Other names: c.563-2A>C (NM_001364318.2, NM_001136029.4, NM_014662.6 and 7 more transcripts); c.479-2A>C (NM_001369902.1, NM_001369901.1).
Identifiers: ClinVar variation 3234117 (VCV003234117.3), dbSNP rs2518395818, ClinGen allele CA411286008.

ClinVar aggregate classification (germline): Pathogenic. Review status: criteria provided, multiple submitters, no conflicts (2 of 4 stars). 2 submissions from 2 submitters: Pathogenic (2). Last evaluated 2024-02-14.

Conditions:
Isolated focal cortical dysplasia type IIa. Also called: Focal cortical dysplasia of Taylor type 2A. Identifiers: Orphanet 269001, MedGen C1846386, MONDO:0017101.
Seizure. Also called: Seizures. Identifiers: MedGen C0036572, HP:0001250.

Submissions (2):

Cytogénomique, Hospices Civils de Lyon
Classification: Pathogenic for Seizures. Last evaluated: 2024-02-14. Review status: criteria provided, single submitter. Criteria: ACMG Guidelines, 2015. Collection method: clinical testing. Allele origin: unknown. Affected: yes. Observed: 1 variant allele, 1 compound heterozygote.

Human Genome Lab, NIMHANS, National Institute of Mental Health and Neuro Sciences
Classification: Pathogenic for Isolated focal cortical dysplasia type IIa. Last evaluated: 2024-01-10. Review status: criteria provided, single submitter. Criteria: ACMG Guidelines, 2015. Collection method: clinical testing. Allele origin: germline. Affected: yes. Observed: 1 variant allele.
Comment: The splice acceptor variant NM_001242896.3(DEPDC5):c.563-2A>C has been reported to ClinVar as Pathogenic with a status of (1 stars) criteria provided, single submitter (Variation ID 3234117 as of 2026-06-04). The c.563-2A>C variant is novel (not in any individuals) in 1kG All. The c.563-2A>C variant is novel (not in any individuals) in TopMed All. The c.563-2A>C variant is novel (not in any individuals) in gnomAD4-Joint-Variant Frequencies. This variant mutates a splice-acceptor sequence and is predicted to disrupt the reading frame, resulting in nonsense mediated decay. This variant results in the loss of an acceptor splice site for the clinically relevant transcript. This variant disrupts the acceptor splice site for an exon upstream from the last coding exon resulting in a frameshift mutation that is predicted to cause nonsense mediated decay. The c.563-2A>C variant is a loss of function variant in the gene DEPDC5, which is intolerant of Loss of Function variants, as indicated by the presence of existing pathogenic loss of function variant NP_001229825.1:p.M1_D20delinsN and 265 others. For these reasons, this variant has been classified as Pathogenic. (ACMG Criteria PM2 PVS1 PP5)